The following is an entry in ClinVar:

ClinVar aggregate classification (germline): Uncertain significance (1 of 4 stars; one submission).

Conditions:
Dystonia 12 (DYT12). Also called: DYT-ATP1A3; Rapid-Onset Dystonia-Parkinsonism (RDP). Identifiers: Orphanet 71517, MedGen C1868681, MONDO:0007496, OMIM 128235.

Submission:

Labcorp Genetics (formerly Invitae), Labcorp
Classification: Uncertain significance for Dystonia 12. Last evaluated: 2021-11-01. Review status: criteria provided, single submitter. Criteria: Invitae Variant Classification Sherloc (09022015). Collection method: clinical testing. Allele origin: germline.
Comment: Experimental studies and prediction algorithms are not available or were not evaluated, and the functional significance of this variant is currently unknown. In summary, the available evidence is currently insufficient to determine the role of this variant in disease. Therefore, it has been classified as a Variant of Uncertain Significance. ClinVar contains an entry for this variant (Variation ID: 844663). This variant has not been reported in the literature in individuals affected with ATP1A3-related conditions. This variant is not present in population databases (gnomAD no frequency). This variant, c.2563_2565del, results in the deletion of 1 amino acid(s) of the ATP1A3 protein (p.Gly855del), but otherwise preserves the integrity of the reading frame.

NM_152296.5(ATP1A3):c.2563_2565del (p.Gly855del)

Gene: ATP1A3 (ATPase Na+/K+ transporting subunit alpha 3; minus strand). Cytogenetic location: 19q13.2.
Variant type: Deletion.
Coding change: c.2563_2565del on transcript NM_152296.5 (MANE Select); coding-DNA positions 2563 to 2565, 3 bases deleted (GGC; older notation c.2563_2565delGGC).
Protein change: p.Gly855del; deletes glycine 855.
Molecular consequence: inframe deletion.
Genome position (GRCh38, 1-based): chr19:41,969,558-41,969,560, GCC deleted on the plus strand (GGC on the coding strand, the reverse complement: ATP1A3 is on the minus strand). VCF-style (leftmost placement, unchanged base first): chr19-41969557-AGCC-A. GRCh37 (hg19) VCF-style: chr19-42473709-AGCC-A.
Other names: c.2596_2598del, p.Gly866del (NM_001256213.2); c.2602_2604del, p.Gly868del (NM_001256214.2); short protein forms G855del, G868del, G866del.
Identifiers: ClinVar variation 844663 (VCV000844663.7), dbSNP rs2075079909, ClinGen allele CA916083693.
Genomic context (GRCh38, chr19:41,969,557, plus strand): 5'-TGCCCACCAGGTTGCCGGGCAAGAAGCCATTTTCTGCCAGGATCACAAAGTAAGAGAAGA[AGCC>A]ACCGAGAGCCTGGATCATTCCTGGAAGGAGGAGAGAGGAAGCCGAGGAGAGGCTCAGATT-3'